The following is an entry in ClinVar:

NM_001110556.2(FLNA):c.6709_6710dup (p.Ala2238fs)

Gene: FLNA (filamin A; minus strand). Cytogenetic location: Xq28.
Variant type: Duplication.
Coding change: c.6709_6710dup on transcript NM_001110556.2 (MANE Select); coding-DNA positions 6709 to 6710, 2 bases duplicated (GG; older notation c.6709_6710dupGG).
Protein change: p.Ala2238fs; shifts the reading frame from alanine 2238.
Molecular consequence: frameshift variant.
Genome position (GRCh38, 1-based): chrX:154,352,240-154,352,241, CC duplicated on the plus strand (GG on the coding strand, the reverse complement: FLNA is on the minus strand); duplicating any 2 consecutive bases within chrX:154,352,240-154,352,244 gives the same sequence; the c. name uses the placement nearest the transcript's 3' end. VCF-style (leftmost placement, unchanged base first): chrX-154352239-T-TCC. GRCh37 (hg19) VCF-style: chrX-153580607-T-TCC.
Other names: c.6685_6686dup, p.Ala2230fs (NM_001456.4); short protein forms A2230fs, A2238fs.
Identifiers: ClinVar variation 3382382 (VCV003382382.2).

ClinVar aggregate classification (germline): Pathogenic (1 of 4 stars; one submission).

Conditions:
Frontometaphyseal dysplasia 1 (FMD1). Also called: Frontometaphyseal Dysplasia (FLNA-FMD). Identifiers: Orphanet 1826, MedGen C4281559, MONDO:0024550, OMIM 305620.
Intestinal pseudoobstruction, neuronal, chronic idiopathic, X-linked (CIIPX). Also called: CONGENITAL IDIOPATHIC INTESTINAL PSEUDOOBSTRUCTION; INTESTINAL PSEUDOOBSTRUCTION, NEURONAL, CHRONIC IDIOPATHIC, WITH CENTRAL NERVOUS SYSTEM INVOLVEMENT; FLNA-Related Periventricular Nodular Heterotopia (FLNA-Related PVNH; Huttenlocher Syndrome). Identifiers: Orphanet 2301, MedGen C2746068, MONDO:0010232, OMIM 300048.
Terminal osseous dysplasia-pigmentary defects syndrome. Also called: ODPF SYNDROME; OSSEOUS DYSPLASIA, DIGITAL, WITH FACIAL PIGMENTARY DEFECTS AND MULTIPLE FRENULA; ODPD; TERMINAL OSSEOUS DYSPLASIA AND PIGMENTARY DEFECTS; Terminal Osseous Dysplasia (FLNA-TOD). Identifiers: Orphanet 88630, MedGen C1846129, MONDO:0010279, OMIM 300244.
Heterotopia, periventricular, X-linked dominant (PVNH1). Also called: PERIVENTRICULAR NODULAR HETEROTOPIA 1; X-linked periventricular heterotopia; PERIVENTRICULAR NODULAR HETEROTOPIA 4; HETEROTOPIA, PERIVENTRICULAR, 1. Identifiers: Orphanet 2149, Orphanet 82004, MedGen C1848213, MONDO:0010233, OMIM 300049.
Melnick-Needles syndrome (MNS). Also called: MELNICK-NEEDLES OSTEODYSPLASTY; OSTEODYSPLASTY OF MELNICK AND NEEDLES; Melnick-Needles Syndrome (FLNA-MNS). Identifiers: Orphanet 2484, MedGen C0025237, MONDO:0010650, OMIM 309350.
Cardiac valvular dysplasia, X-linked (CVDPX). Also called: FLNA-Related X-linked Cardiac Valvular Dysplasia; MYXOMATOUS VALVULAR DYSTROPHY, X-LINKED; VALVULAR HEART DISEASE, CONGENITAL; Congenital valvular dysplasia; Isolated X-Linked Cardiac Valvular Dysplasia. Identifiers: Orphanet 1864, Orphanet 555877, Orphanet 75497, MedGen C0262436, MONDO:0010753, OMIM 314400.
Oto-palato-digital syndrome, type I (OPD1). Also called: OPD I SYNDROME; OPD SYNDROME 1; Taybi syndrome; Otopalatodigital Syndrome Type 1 (FLNA-OPD1); Otopalatodigital Syndrome, Type I. Identifiers: Orphanet 669, Orphanet 90650, MedGen C0265251, MONDO:0010704, OMIM 311300.
FG syndrome 2 (FGS2). Identifiers: MedGen C1845902, MONDO:0010297, OMIM 300321.
Oto-palato-digital syndrome, type II (OPD2). Also called: FACIOPALATOOSSEOUS SYNDROME; OPD II SYNDROME; Otopalatodigital Syndrome Type 2 (FLNA-OPD2); Otopalatodigital Syndrome, Type II. Identifiers: Orphanet 669, Orphanet 90652, MedGen C1844696, MONDO:0010571, OMIM 304120.

Submission:

Juno Genomics, Hangzhou Juno Genomics, Inc
Classification: Pathogenic for FG syndrome 2; Cardiac valvular dysplasia, X-linked; Intestinal pseudoobstruction, neuronal, chronic idiopathic, X-linked; Frontometaphyseal dysplasia 1; Heterotopia, periventricular, X-linked dominant; Melnick-Needles syndrome; Oto-palato-digital syndrome, type I; Oto-palato-digital syndrome, type II; Terminal osseous dysplasia-pigmentary defects syndrome. Review status: criteria provided, single submitter. Criteria: ACMG Guidelines, 2015. Collection method: clinical testing. Allele origin: germline. Affected: yes.
Comment: Absent from controls (or at extremely low frequency if recessive) in Genome Aggregation Database, Exome Sequencing Project, 1000 Genomes Project, or Exome Aggregation Consortium.;Null variant in a gene where loss of function (LOF) is a known mechanism of disease.;Patient's phenotype or family history is highly specific for a disease with a single genetic etiology.